The following is an entry in ClinVar:

NM_001429.4(EP300):c.6402T>G (p.Asn2134Lys)

Gene: EP300 (EP300 lysine acetyltransferase; plus strand). Cytogenetic location: 22q13.2.
Variant type: single nucleotide variant.
Coding change: c.6402T>G on transcript NM_001429.4 (MANE Select); coding-DNA position 6402, T replaced by G.
Protein change: p.Asn2134Lys; replaces asparagine 2134 with lysine.
Molecular consequence: missense variant.
Genome position (GRCh38, 1-based): chr22:41,178,113, T>G. VCF-style: chr22-41178113-T-G. GRCh37 (hg19) VCF-style: chr22-41574117-T-G.
Other names: c.6324T>G, p.Asn2108Lys (NM_001362843.2); short protein forms N2108K, N2134K.
Identifiers: ClinVar variation 2182222 (VCV002182222.4), dbSNP rs773555512, ClinGen allele CA10253847.

ClinVar aggregate classification (germline): Uncertain significance (1 of 4 stars; one submission).

Conditions:
Rubinstein-Taybi syndrome due to EP300 haploinsufficiency. Also called: EP300-Related Rubinstein-Taybi Syndrome; RUBINSTEIN-TAYBI SYNDROME 2. Identifiers: Orphanet 353284, Orphanet 783, MedGen C3150941, MONDO:0013364, OMIM 613684.

Allele frequency attached by ClinVar (database versions not stated): gnomAD exomes below 0.00001; ExAC 0.00001.
gnomAD v4.1: 6 of 1,613,928 alleles (0.00037%); highest among the groups gnomAD compares: Non-Finnish European, 0.00051%; no homozygotes.

Submission:

Labcorp Genetics (formerly Invitae), Labcorp
Classification: Uncertain significance for Rubinstein-Taybi syndrome due to EP300 haploinsufficiency. Last evaluated: 2025-08-11. Review status: criteria provided, single submitter. Criteria: Invitae Variant Classification Sherloc (09022015). Collection method: clinical testing. Allele origin: germline.
Comment: This sequence change replaces asparagine, which is neutral and polar, with lysine, which is basic and polar, at codon 2134 of the EP300 protein (p.Asn2134Lys). This variant is present in population databases (rs773555512, gnomAD 0.003%). This variant has not been reported in the literature in individuals affected with EP300-related conditions. ClinVar contains an entry for this variant (Variation ID: 2182222). Invitae Evidence Modeling of protein sequence and biophysical properties (such as structural, functional, and spatial information, amino acid conservation, physicochemical variation, residue mobility, and thermodynamic stability) indicates that this missense variant is not expected to disrupt EP300 protein function with a negative predictive value of 80%. In summary, the available evidence is currently insufficient to determine the role of this variant in disease. Therefore, it has been classified as a Variant of Uncertain Significance.